The following is an entry in ClinVar:

ClinVar aggregate classification (germline): Benign/Likely benign. Review status: criteria provided, multiple submitters, no conflicts (2 of 4 stars). 3 submissions from 3 submitters: Benign (2); Likely benign (1). Last evaluated 2026-01-11.

Allele frequency attached by ClinVar (database versions not stated): 1000 Genomes Project 30x 0.00687; gnomAD exomes 0.00047 and 0.00110; ExAC 0.00136; gnomAD 0.00432 and 0.00459; TOPMed 0.00501; ESP Exome Variant Server 0.00561; 1000 Genomes Project 0.00659.
gnomAD v4.1: 1,376 of 1,607,298 alleles (0.086%); highest among the groups gnomAD compares: African/African-American, 1.6%; 13 homozygotes.

Submissions (3):

Labcorp Genetics (formerly Invitae), Labcorp
Classification: Benign. Last evaluated: 2026-01-11. Review status: criteria provided, single submitter. Criteria: Invitae Variant Classification Sherloc (09022015). Collection method: clinical testing. Allele origin: germline.

Blueprint Genetics
Classification: Likely benign. Last evaluated: 2024-10-22. Review status: criteria provided, single submitter. Criteria: ACMG Guidelines, 2015. Collection method: clinical testing. Allele origin: germline.

CeGaT Center for Human Genetics Tuebingen
Classification: Benign. Last evaluated: 2024-06-01. Review status: criteria provided, single submitter. Criteria: CeGaT Center For Human Genetics Tuebingen Variant Classification Criteria Version 2. Collection method: clinical testing. Allele origin: germline. Affected: yes. Observed: 1 variant allele.
Comment: MIPEP: BP4, BS1, BS2

NM_005932.4(MIPEP):c.1260+6C>T

Gene: MIPEP (mitochondrial intermediate peptidase; minus strand). Cytogenetic location: 13q12.12.
Variant type: single nucleotide variant.
Coding change: c.1260+6C>T on transcript NM_005932.4 (MANE Select); 6 bases into the intron after coding-DNA position 1260, C replaced by T.
Molecular consequence: intron variant.
Genome position (GRCh38, 1-based): chr13:23,841,329, G>A on the plus strand (C>T on the coding strand, the complement: MIPEP is on the minus strand). VCF-style: chr13-23841329-G-A. GRCh37 (hg19) VCF-style: chr13-24415468-G-A.
Identifiers: ClinVar variation 712128 (VCV000712128.28), dbSNP rs76129955, ClinGen allele CA6913060.